The following is an entry in ClinVar:

NM_002439.5(MSH3):c.2671G>A (p.Val891Ile)

Gene: MSH3 (mutS homolog 3; plus strand). Cytogenetic location: 5q14.1.
Variant type: single nucleotide variant.
Coding change: c.2671G>A on transcript NM_002439.5 (MANE Select); coding-DNA position 2671, G replaced by A.
Protein change: p.Val891Ile; replaces valine 891 with isoleucine.
Molecular consequence: missense variant.
Genome position (GRCh38, 1-based): chr5:80,813,599, G>A. VCF-style: chr5-80813599-G-A. GRCh37 (hg19) VCF-style: chr5-80109418-G-A.
Other names: c.2671G>A (NM_002439.3); short protein forms V891I.
Identifiers: ClinVar variation 2147702 (VCV002147702.5), dbSNP rs2546797276, ClinGen allele CA360273834.

ClinVar aggregate classification (germline): Uncertain significance. Review status: criteria provided, multiple submitters, no conflicts (2 of 4 stars). 2 submissions from 2 submitters: Uncertain significance (2). Last evaluated 2025-11-27.

Conditions:
Hereditary cancer-predisposing syndrome. Also called: Tumor predisposition; Hereditary neoplastic syndrome; Hereditary Cancer Syndrome; Neoplastic Syndromes, Hereditary. Identifiers: Orphanet 140162, MedGen C0027672, MeSH D009386, MONDO:0015356.

Submissions (2):

Labcorp Genetics (formerly Invitae), Labcorp
Classification: Uncertain significance. Last evaluated: 2025-11-27. Review status: criteria provided, single submitter. Criteria: Invitae Variant Classification Sherloc (09022015). Collection method: clinical testing. Allele origin: germline.
Comment: This sequence change replaces valine, which is neutral and non-polar, with isoleucine, which is neutral and non-polar, at codon 891 of the MSH3 protein (p.Val891Ile). This variant is not present in population databases (gnomAD no frequency). This variant has not been reported in the literature in individuals affected with MSH3-related conditions. ClinVar contains an entry for this variant (Variation ID: 2147702). An algorithm developed to predict the effect of missense changes on protein structure and function (PolyPhen-2) suggests that this variant is likely to be disruptive. In summary, the available evidence is currently insufficient to determine the role of this variant in disease. Therefore, it has been classified as a Variant of Uncertain Significance.

Ambry Genetics
Classification: Uncertain significance for Hereditary cancer-predisposing syndrome. Last evaluated: 2025-03-24. Review status: criteria provided, single submitter. Criteria: Ambry Variant Classification Scheme 2023. Collection method: clinical testing. Allele origin: germline.
Comment: The p.V891I variant (also known as c.2671G>A), located in coding exon 20 of the MSH3 gene, results from a G to A substitution at nucleotide position 2671. The valine at codon 891 is replaced by isoleucine, an amino acid with highly similar properties. This amino acid position is conserved. In addition, this alteration is predicted to be tolerated by in silico analysis. Based on the available evidence, the clinical significance of this variant remains unclear.